The following is an entry in ClinVar:

ClinVar aggregate classification (germline): Uncertain significance. Review status: criteria provided, multiple submitters, no conflicts (2 of 4 stars). 2 submissions from 2 submitters: Uncertain significance (2). Last evaluated 2023-05-18.

Conditions:
Familial cancer of breast. Also called: hereditary breast carcinoma; Hereditary breast cancer; BREAST CANCER, FAMILIAL. Identifiers: Orphanet 227535, MedGen C0346153, MONDO:0016419, OMIM 114480. Disease mechanism: loss of function.

Submissions (2):

Baylor Genetics
Classification: Uncertain significance for Familial cancer of breast. Last evaluated: 2023-05-18. Review status: criteria provided, single submitter. Criteria: ACMG Guidelines, 2015. Collection method: clinical testing. Allele origin: unknown.

Labcorp Genetics (formerly Invitae), Labcorp
Classification: Uncertain significance for Familial cancer of breast. Last evaluated: 2018-07-05. Review status: criteria provided, single submitter. Criteria: Invitae Variant Classification Sherloc (09022015). Collection method: clinical testing. Allele origin: germline.
Comment: This sequence change replaces cysteine with phenylalanine at codon 420 of the CHEK2 protein (p.Cys420Phe). The cysteine residue is highly conserved and there is a large physicochemical difference between cysteine and phenylalanine. This variant also falls at the last nucleotide of exon 11 of the CHEK2 coding sequence, which is part of the consensus splice site for this exon. In summary, the available evidence is currently insufficient to determine the role of this variant in disease. Therefore, it has been classified as a Variant of Uncertain Significance. Nucleotide substitutions within the consensus splice site are a relatively common cause of aberrant splicing (PMID: 17576681, 9536098). Algorithms developed to predict the effect of sequence changes on RNA splicing suggest that this variant may disrupt the consensus splice site, but this prediction has not been confirmed by published transcriptional studies. Algorithms developed to predict the effect of missense changes on protein structure and function are either unavailable or do not agree on the potential impact of this missense change (SIFT: "Deleterious"; PolyPhen-2: "Probably Damaging"; Align-GVGD: "Class C0"). This variant has not been reported in the literature in individuals with CHEK2-related disease. This variant is not present in population databases (ExAC no frequency).

Literature cited by the submitters: PubMed 17576681 (cited by Labcorp Genetics (formerly Invitae), Labcorp); PubMed 9536098 (cited by Labcorp Genetics (formerly Invitae), Labcorp).

NM_007194.4(CHEK2):c.1259G>T (p.Cys420Phe)

Gene: CHEK2 (checkpoint kinase 2; minus strand). Cytogenetic location: 22q12.1.
Variant type: single nucleotide variant.
Coding change: c.1259G>T on transcript NM_007194.4 (MANE Select); coding-DNA position 1259, G replaced by T.
Protein change: p.Cys420Phe; replaces cysteine 420 with phenylalanine.
Molecular consequence: missense variant.
Genome position (GRCh38, 1-based): chr22:28,695,710, C>A on the plus strand (G>T on the coding strand, the complement: CHEK2 is on the minus strand). VCF-style: chr22-28695710-C-A. GRCh37 (hg19) VCF-style: chr22-29091698-C-A.
Other names: c.1388G>T, p.Cys463Phe (NM_001005735.3); c.596G>T, p.Cys199Phe (NM_001257387.3); c.1058G>T, p.Cys353Phe (NM_001349956.3); c.1172G>T, p.Cys391Phe (NM_145862.3); short protein forms C199F, C353F, C463F, C391F, C420F.
Identifiers: ClinVar variation 650434 (VCV000650434.10), dbSNP rs578218280, ClinGen allele CA411096479.
Genomic context (GRCh38, chr22:28,695,710, plus strand): 5'-ATTTGTGACTTCATCTAATCACCTCCTACCAGTCTGTGCAGCAATGAAAATATTTCTTAC[C>A]AGATAAAAAGAATAACTCCTAAACTCCAGCAGTCCACAGCACGGTTATACCCAGCAGTCC-3'
Protein context (NP_009125.1, residues 410-430): CWSLGVILFI[Cys420Phe]LSGYPPFSEH